The following is an entry in ClinVar:

ClinVar aggregate classification (germline): Uncertain significance (1 of 4 stars; one submission).

Conditions:
Sclerosteosis 2 (SOST2). Identifiers: Orphanet 3152, MedGen C3280402, MONDO:0013679, OMIM 614305.
Cenani-Lenz syndactyly syndrome. Also called: SYNDACTYLY, TYPE VII; CENANI SYNDACTYLISM. Identifiers: Orphanet 3258, MedGen C1859309, MONDO:0008931, OMIM 212780.
Congenital myasthenic syndrome 17. Identifiers: Orphanet 590, MedGen C4225377, MONDO:0014578, OMIM 616304.

Allele frequency attached by ClinVar (database versions not stated): ExAC 0.00002; gnomAD 0.00002; TOPMed 0.00005; ESP Exome Variant Server 0.00015.
gnomAD v4.1: 17 of 1,612,428 alleles (0.0011%); highest among the groups gnomAD compares: Middle Eastern, 0.016%; no homozygotes.

Submission:

Labcorp Genetics (formerly Invitae), Labcorp
Classification: Uncertain significance for Cenani-Lenz syndactyly syndrome; Sclerosteosis 2; Congenital myasthenic syndrome 17. Last evaluated: 2022-07-26. Review status: criteria provided, single submitter. Criteria: Invitae Variant Classification Sherloc (09022015). Collection method: clinical testing. Allele origin: germline.
Comment: In summary, the available evidence is currently insufficient to determine the role of this variant in disease. Therefore, it has been classified as a Variant of Uncertain Significance. Algorithms developed to predict the effect of missense changes on protein structure and function (SIFT, PolyPhen-2, Align-GVGD) all suggest that this variant is likely to be disruptive. This variant has not been reported in the literature in individuals affected with LRP4-related conditions. The frequency data for this variant in the population databases is considered unreliable, as metrics indicate poor data quality at this position in the gnomAD database. This sequence change replaces arginine, which is basic and polar, with tryptophan, which is neutral and slightly polar, at codon 1538 of the LRP4 protein (p.Arg1538Trp).

NM_002334.4(LRP4):c.4612C>T (p.Arg1538Trp)

Genes: LRP4 (LDL receptor related protein 4; minus strand), LRP4-AS1 (LRP4 antisense RNA 1; plus strand). Cytogenetic location: 11p11.2.
Variant type: single nucleotide variant.
Coding change: c.4612C>T on transcript NM_002334.4 (MANE Select); coding-DNA position 4612, C replaced by T.
Protein change: p.Arg1538Trp; replaces arginine 1538 with tryptophan.
Molecular consequence: missense variant.
Genome position (GRCh38, 1-based): chr11:46,871,605, G>A on the plus strand (C>T on the coding strand, the complement: LRP4 is on the minus strand). VCF-style: chr11-46871605-G-A. GRCh37 (hg19) VCF-style: chr11-46893156-G-A.
Other names: short protein forms R1538W.
Identifiers: ClinVar variation 2042331 (VCV002042331.2), dbSNP rs146993399, ClinGen allele CA5969277.